The following is an entry in ClinVar:

NM_021008.4(DEAF1):c.759_763del (p.Arg254fs)

Gene: DEAF1 (DEAF1 transcription factor; minus strand). Cytogenetic location: 11p15.5.
Variant type: Deletion.
Coding change: c.759_763del on transcript NM_021008.4 (MANE Select); coding-DNA positions 759 to 763, 5 bases deleted (AAGAA; older notation c.759_763delAAGAA).
Protein change: p.Arg254fs; shifts the reading frame from arginine 254.
Molecular consequence: frameshift variant. On other transcripts: intron variant (1).
Genome position (GRCh38, 1-based): chr11:686,899-686,903, TTCTT deleted on the plus strand (AAGAA on the coding strand, the reverse complement: DEAF1 is on the minus strand); deleting any 5 consecutive bases within chr11:686,899-686,906 gives the same sequence; the c. name uses the placement nearest the transcript's 3' end. VCF-style (leftmost placement, unchanged base first): chr11-686898-CTTCTT-C. GRCh37 (hg19) VCF-style: chr11-686898-CTTCTT-C.
Other names: c.33_37del, p.Arg12fs (NM_001367390.1, NM_001440885.1, NM_001440886.1 and 1 more transcripts); c.759_763del, p.Arg254fs (NM_001440883.1, NM_001440884.1); c.664+1008_664+1012del (NM_001293634.2); short protein forms R12fs, R254fs.
Identifiers: ClinVar variation 2498477 (VCV002498477.28), dbSNP rs2494448566, ClinGen allele CA2580083860.

ClinVar aggregate classification (germline): Likely pathogenic (1 of 4 stars; one submission).

Submission:

CeGaT Center for Human Genetics Tuebingen
Classification: Likely pathogenic. Last evaluated: 2023-09-01. Review status: criteria provided, single submitter. Criteria: CeGaT Center For Human Genetics Tuebingen Variant Classification Criteria Version 2. Collection method: clinical testing. Allele origin: germline. Affected: yes. Observed: 2 variant alleles.
Comment: DEAF1: PVS1:Strong, PM2